The following is an entry in ClinVar:

ClinVar aggregate classification (germline): Uncertain significance. Review status: criteria provided, multiple submitters, no conflicts (2 of 4 stars). 2 submissions from 2 submitters: Uncertain significance (2). Last evaluated 2025-03-26.

gnomAD v4.1: 85 of 1,614,138 alleles (0.0053%); highest among the groups gnomAD compares: East Asian, 0.04%; no homozygotes.

Submissions (2):

Ambry Genetics
Classification: Uncertain significance. Last evaluated: 2025-03-26. Review status: criteria provided, single submitter. Criteria: Ambry Variant Classification Scheme 2023. Collection method: clinical testing. Allele origin: germline.

Labcorp Genetics (formerly Invitae), Labcorp
Classification: Uncertain significance. Last evaluated: 2024-09-29. Review status: criteria provided, single submitter. Criteria: Invitae Variant Classification Sherloc (09022015). Collection method: clinical testing. Allele origin: germline.
Comment: This sequence change replaces serine, which is neutral and polar, with isoleucine, which is neutral and non-polar, at codon 782 of the SIPA1L3 protein (p.Ser782Ile). This variant is present in population databases (rs187701659, gnomAD 0.06%). This variant has not been reported in the literature in individuals affected with SIPA1L3-related conditions. An algorithm developed to predict the effect of missense changes on protein structure and function (PolyPhen-2) suggests that this variant is likely to be tolerated. In summary, the available evidence is currently insufficient to determine the role of this variant in disease. Therefore, it has been classified as a Variant of Uncertain Significance.

NM_015073.3(SIPA1L3):c.2345G>T (p.Ser782Ile)

Gene: SIPA1L3 (signal induced proliferation associated 1 like 3; plus strand). Cytogenetic location: 19q13.13.
Variant type: single nucleotide variant.
Coding change: c.2345G>T on transcript NM_015073.3 (MANE Select); coding-DNA position 2345, G replaced by T.
Protein change: p.Ser782Ile; replaces serine 782 with isoleucine.
Molecular consequence: missense variant.
Genome position (GRCh38, 1-based): chr19:38,119,359, G>T. VCF-style: chr19-38119359-G-T. GRCh37 (hg19) VCF-style: chr19-38609999-G-T.
Other names: c.2345G>T (NM_015073.1); short protein forms S782I.
Identifiers: ClinVar variation 3715829 (VCV003715829.3).